The following is an entry in ClinVar:

ClinVar aggregate classification (germline): Pathogenic (1 of 4 stars; one submission).

Conditions:
LAMA2-related muscular dystrophy (LAMA2-RD). Also called: Laminin alpha 2-related dystrophy. Identifiers: MedGen C5679788, MONDO:0100228.

Submission:

Labcorp Genetics (formerly Invitae), Labcorp
Classification: Pathogenic for LAMA2-related muscular dystrophy. Last evaluated: 2016-07-03. Review status: criteria provided, single submitter. Criteria: Invitae Variant Classification Sherloc (09022015). Collection method: clinical testing. Allele origin: germline.
Comment: For these reasons, this variant has been classified as Pathogenic. This variant is not present in population databases (ExAC no frequency). While this particular variant has not been reported in the literature, truncating variants in LAMA2 are known to be pathogenic (PMID: 18700894). This variant, c.7156-5_7157delAATAGAGinsT, is a complex sequence change at the junction of intron 50 and exon 51 of the LAMA2 gene. The terminal 5 nucleotides of intron 50 and the first 2 nucleotides of exon 51 are deleted and replaced by a single T nucleotide. This sequence change affects an acceptor splice site in intron 50 of the LAMA2 gene. It is expected to disrupt mRNA splicing or cause a frameshift and likely results in an absent or disrupted protein product.

Literature cited by the submitters: PubMed 18700894.

NM_000426.4(LAMA2):c.7156-5_7157delinsT

Gene: LAMA2 (laminin subunit alpha 2; plus strand). Cytogenetic location: 6q22.33.
Variant type: Indel.
Coding change: c.7156-5_7157delinsT on transcript NM_000426.4 (MANE Select); 5 bases into the intron before coding-DNA position 7156 through coding-DNA position 7157, AATAGAG replaced by T.
Molecular consequence: splice acceptor variant.
Genome position (GRCh38, 1-based): chr6:129,465,140-129,465,146, AATAGAG replaced by T. VCF-style: chr6-129465140-AATAGAG-T. GRCh37 (hg19) VCF-style: chr6-129786285-AATAGAG-T.
Other names: c.7156-5_7157delinsT (NM_001079823.2); c.7156-5_7157delAATAGAGinsT (NM_000426.3).
Identifiers: ClinVar variation 477503 (VCV000477503.5), dbSNP rs1554301854, ClinGen allele CA658657619.
Genomic context (GRCh38, chr6:129,465,140, plus strand): 5'-AAAAGTGAACACTCATATACTTCTCTGTGTATCTAACCACTGGGGTATGTTTACTCTATT[AATAGAG>T]AGATTTCATGAGTGTGGAGCTCACTGATGGGCACATAAAAGTCAGTTACGATCTGGGCTC-3'